The following is an entry in ClinVar:

NM_001365999.1(SZT2):c.1643C>G (p.Pro548Arg)

Gene: SZT2 (SZT2 subunit of KICSTOR complex; plus strand). Cytogenetic location: 1p34.2.
Variant type: single nucleotide variant.
Coding change: c.1643C>G on transcript NM_001365999.1 (MANE Select); coding-DNA position 1643, C replaced by G.
Protein change: p.Pro548Arg; replaces proline 548 with arginine.
Molecular consequence: missense variant.
Genome position (GRCh38, 1-based): chr1:43,422,099, C>G. VCF-style: chr1-43422099-C-G. GRCh37 (hg19) VCF-style: chr1-43887770-C-G.
Other names: c.1643C>G, p.Pro548Arg (NM_015284.4); short protein forms P548R.
Identifiers: ClinVar variation 1506331 (VCV001506331.9), dbSNP rs2153932429, ClinGen allele CA340009335.

ClinVar aggregate classification (germline): Uncertain significance. Review status: criteria provided, multiple submitters, no conflicts (2 of 4 stars). 2 submissions from 2 submitters: Uncertain significance (2). Last evaluated 2022-08-31.

Submissions (2):

Labcorp Genetics (formerly Invitae), Labcorp
Classification: Uncertain significance. Last evaluated: 2022-08-31. Review status: criteria provided, single submitter. Criteria: Invitae Variant Classification Sherloc (09022015). Collection method: clinical testing. Allele origin: germline.
Comment: In summary, the available evidence is currently insufficient to determine the role of this variant in disease. Therefore, it has been classified as a Variant of Uncertain Significance. Algorithms developed to predict the effect of missense changes on protein structure and function (SIFT, PolyPhen-2, Align-GVGD) all suggest that this variant is likely to be tolerated. ClinVar contains an entry for this variant (Variation ID: 1506331). This variant has not been reported in the literature in individuals affected with SZT2-related conditions. This variant is not present in population databases (gnomAD no frequency). This sequence change replaces proline, which is neutral and non-polar, with arginine, which is basic and polar, at codon 548 of the SZT2 protein (p.Pro548Arg).

Breakthrough Genomics
Classification: Uncertain significance. Review status: criteria provided, single submitter. Criteria: ACMG Guidelines, 2015. Collection method: not provided. Allele origin: germline. Inheritance: Autosomal recessive inheritance. Affected: yes.